The following is an entry in ClinVar:

ClinVar aggregate classification (germline): Uncertain significance (1 of 4 stars; one submission).

Submission:

Labcorp Genetics (formerly Invitae), Labcorp
Classification: Uncertain significance. Last evaluated: 2025-10-31. Review status: criteria provided, single submitter. Criteria: Invitae Variant Classification Sherloc (09022015). Collection method: clinical testing. Allele origin: germline.
Comment: This sequence change replaces proline, which is neutral and non-polar, with threonine, which is neutral and polar, at codon 1220 of the NEXMIF protein (p.Pro1220Thr). This variant is not present in population databases (gnomAD no frequency). This variant has not been reported in the literature in individuals affected with NEXMIF-related conditions. An algorithm developed to predict the effect of missense changes on protein structure and function (PolyPhen-2) suggests that this variant is likely to be disruptive. In summary, the available evidence is currently insufficient to determine the role of this variant in disease. Therefore, it has been classified as a Variant of Uncertain Significance.

NM_001008537.3(NEXMIF):c.3658C>A (p.Pro1220Thr)

Gene: NEXMIF (neurite extension and migration factor; minus strand). Cytogenetic location: Xq13.3.
Variant type: single nucleotide variant.
Coding change: c.3658C>A on transcript NM_001008537.3 (MANE Select); coding-DNA position 3658, C replaced by A.
Protein change: p.Pro1220Thr; replaces proline 1220 with threonine.
Molecular consequence: missense variant.
Genome position (GRCh38, 1-based): chrX:74,740,899, G>T on the plus strand (C>A on the coding strand, the complement: NEXMIF is on the minus strand). VCF-style: chrX-74740899-G-T. GRCh37 (hg19) VCF-style: chrX-73960734-G-T.
Other names: short protein forms P1220T.
Identifiers: ClinVar variation 4770165 (VCV004770165.1).
Genomic context (GRCh38, chrX:74,740,899, plus strand): 5'-CAATTTGCATTTTCTCTCCATTGATGGCAGCCATGTATTTCCCTTTCTTTGTGGACTTAG[G>T]GACCTGGCGGGAGTTTTTGCCAGGTGGTTTTTCAATCCCCTTGTTGTTACCTTTGAGGGA-3'
Protein context (NP_001008537.1, residues 1210-1230): KPPGKNSRQV[Pro1220Thr]KSTKKGKYMA